The following is an entry in ClinVar:

ClinVar aggregate classification (germline): Uncertain significance (1 of 4 stars; one submission).

gnomAD v4.1: 2 of 1,614,106 alleles (0.00012%); highest among the groups gnomAD compares: African/African-American, 0.0027%; no homozygotes.

Submission:

Dasa
Classification: Uncertain significance. Last evaluated: 2025-11-05. Review status: criteria provided, single submitter. Criteria: DASA Assertion Criteria. Collection method: clinical testing. Allele origin: germline.
Comment: NM_005121.3(MED13):c.1645A>G (p.Thr549Ala) is a missense variant that results in the substitution of threonine with alanine. This variant is rare in population databases. Computational prediction algorithms are consistent with a benign effect. The currently available literature and clinical evidence are not sufficient to establish a definitive association between this variant and the reported condition. Therefore, this variant is classified as a variant of uncertain significance.

NM_005121.3(MED13):c.1645A>G (p.Thr549Ala)

Gene: MED13 (mediator complex subunit 13; minus strand). Cytogenetic location: 17q23.2.
Variant type: single nucleotide variant.
Coding change: c.1645A>G on transcript NM_005121.3 (MANE Select); coding-DNA position 1645, A replaced by G.
Protein change: p.Thr549Ala; replaces threonine 549 with alanine.
Molecular consequence: missense variant.
Genome position (GRCh38, 1-based): chr17:62,010,872, T>C on the plus strand (A>G on the coding strand, the complement: MED13 is on the minus strand). VCF-style: chr17-62010872-T-C. GRCh37 (hg19) VCF-style: chr17-60088233-T-C.
Other names: short protein forms T549A.
Identifiers: ClinVar variation 4883411 (VCV004883411.2).